The following is an entry in ClinVar:

NM_002691.4(POLD1):c.74A>T (p.Asp25Val)

Gene: POLD1 (DNA polymerase delta 1, catalytic subunit; plus strand). Cytogenetic location: 19q13.33.
Variant type: single nucleotide variant.
Coding change: c.74A>T on transcript NM_002691.4 (MANE Select); coding-DNA position 74, A replaced by T.
Protein change: p.Asp25Val; replaces aspartic acid 25 with valine.
Molecular consequence: missense variant. On other transcripts: non-coding transcript variant (1).
Genome position (GRCh38, 1-based): chr19:50,398,925, A>T. VCF-style: chr19-50398925-A-T. GRCh37 (hg19) VCF-style: chr19-50902182-A-T.
Other names: c.74A>T, p.Asp25Val (NM_001256849.1, NM_001308632.1); short protein forms D25V.
Identifiers: ClinVar variation 1525503 (VCV001525503.8), dbSNP rs2122195283, ClinGen allele CA406970089.

ClinVar aggregate classification (germline): Uncertain significance (1 of 4 stars; one submission).

Conditions:
POLD1-related polyposis and colorectal cancer syndrome (CRCS10). Also called: Colorectal cancer 10; COLORECTAL CANCER, SUSCEPTIBILITY TO, ON CHROMOSOME 19q; Colorectal cancer, susceptibility to, 10. Identifiers: Orphanet 220460, MedGen C2675481, MONDO:0012953, OMIM 612591.

Submission:

Labcorp Genetics (formerly Invitae), Labcorp
Classification: Uncertain significance for POLD1-related polyposis and colorectal cancer syndrome. Last evaluated: 2022-03-04. Review status: criteria provided, single submitter. Criteria: Invitae Variant Classification Sherloc (09022015). Collection method: clinical testing. Allele origin: germline.
Comment: This sequence change replaces aspartic acid, which is acidic and polar, with valine, which is neutral and non-polar, at codon 25 of the POLD1 protein (p.Asp25Val). This variant is not present in population databases (gnomAD no frequency). This variant has not been reported in the literature in individuals affected with POLD1-related conditions. Algorithms developed to predict the effect of missense changes on protein structure and function (SIFT, PolyPhen-2, Align-GVGD) all suggest that this variant is likely to be tolerated. In summary, the available evidence is currently insufficient to determine the role of this variant in disease. Therefore, it has been classified as a Variant of Uncertain Significance.